The following is an entry in ClinVar:

ClinVar aggregate classification (germline): Uncertain significance. Review status: criteria provided, multiple submitters, no conflicts (2 of 4 stars). 3 submissions from 3 submitters: Uncertain significance (3). Last evaluated 2025-11-06.

Conditions:
Inborn genetic diseases. Identifiers: MedGen C0950123, MeSH D030342.
Microphthalmia, isolated, with coloboma 6 (MCOPCB6). Also called: Microphthalmia with coloboma 6, digenic; Microphthalmia with coloboma 6; MICROPHTHALMIA/COLOBOMA 6. Identifiers: Orphanet 98938, MedGen C3150968, MONDO:0013376, OMIM 613703.
Leber congenital amaurosis 17 (LCA17). Identifiers: Orphanet 65, MedGen C3715164, MONDO:0014145, OMIM 615360.
Klippel-Feil syndrome 1, autosomal dominant (KFS1). Also called: CERVICAL VERTEBRAL FUSION, AUTOSOMAL DOMINANT. Identifiers: Orphanet 2345, MedGen C1861689, MONDO:0007306, OMIM 118100.
Isolated microphthalmia 4. Identifiers: Orphanet 2542, MedGen C2751307, MONDO:0013130, OMIM 613094.

Allele frequency attached by ClinVar (database versions not stated): gnomAD 0.00002; gnomAD exomes 0.00001; TOPMed 0.00003.
gnomAD v4.1: 75 of 1,502,374 alleles (0.005%); highest among the groups gnomAD compares: Non-Finnish European, 0.0062%; no homozygotes.

Submissions (3):

Labcorp Genetics (formerly Invitae), Labcorp
Classification: Uncertain significance for Isolated microphthalmia 4; Leber congenital amaurosis 17; Klippel-Feil syndrome 1, autosomal dominant; Microphthalmia, isolated, with coloboma 6. Last evaluated: 2025-11-06. Review status: criteria provided, single submitter. Criteria: Invitae Variant Classification Sherloc (09022015). Collection method: clinical testing. Allele origin: germline.
Comment: This sequence change replaces glycine, which is neutral and non-polar, with valine, which is neutral and non-polar, at codon 243 of the GDF6 protein (p.Gly243Val). The frequency data for this variant in the population databases is considered unreliable, as metrics indicate poor data quality at this position in the gnomAD database. This variant has not been reported in the literature in individuals affected with GDF6-related conditions. ClinVar contains an entry for this variant (Variation ID: 1027057). An algorithm developed to predict the effect of missense changes on protein structure and function outputs the following: PolyPhen-2: "Benign". The valine amino acid residue is found in multiple mammalian species, which suggests that this missense change does not adversely affect protein function. In summary, the available evidence is currently insufficient to determine the role of this variant in disease. Therefore, it has been classified as a Variant of Uncertain Significance.

Ambry Genetics
Classification: Uncertain significance for Inborn genetic diseases. Last evaluated: 2023-04-11. Review status: criteria provided, single submitter. Criteria: Ambry Variant Classification Scheme 2023. Collection method: clinical testing. Allele origin: germline.

Revvity Omics, Revvity
Classification: Uncertain significance. Last evaluated: 2021-03-29. Review status: criteria provided, single submitter. Criteria: ACMG Guidelines, 2015. Collection method: clinical testing. Allele origin: germline.

NM_001001557.4(GDF6):c.728G>T (p.Gly243Val)

Gene: GDF6 (growth differentiation factor 6; minus strand). Cytogenetic location: 8q22.1.
Variant type: single nucleotide variant.
Coding change: c.728G>T on transcript NM_001001557.4 (MANE Select); coding-DNA position 728, G replaced by T.
Protein change: p.Gly243Val; replaces glycine 243 with valine.
Molecular consequence: missense variant.
Genome position (GRCh38, 1-based): chr8:96,145,203, C>A on the plus strand (G>T on the coding strand, the complement: GDF6 is on the minus strand). VCF-style: chr8-96145203-C-A. GRCh37 (hg19) VCF-style: chr8-97157431-C-A.
Other names: c.728G>T (NM_001001557.2); short protein forms G243V.
Identifiers: ClinVar variation 1027057 (VCV001027057.13), dbSNP rs772188117, ClinGen allele CA181485039.